The following is an entry in ClinVar:

NM_015662.3(IFT172):c.3949A>T (p.Lys1317Ter)

Genes: IFT172 (intraflagellar transport 172; minus strand), LOC126806173 (BRD4-independent group 4 enhancer GRCh37_chr2:27676057-27677256; plus strand). Cytogenetic location: 2p23.3.
Variant type: single nucleotide variant.
Coding change: c.3949A>T on transcript NM_015662.3 (MANE Select); coding-DNA position 3949, A replaced by T.
Protein change: p.Lys1317Ter; replaces lysine 1317 with a stop codon.
Molecular consequence: nonsense.
Genome position (GRCh38, 1-based): chr2:27,453,386, T>A on the plus strand (A>T on the coding strand, the complement: IFT172 is on the minus strand). VCF-style: chr2-27453386-T-A. GRCh37 (hg19) VCF-style: chr2-27676253-T-A.
Other names: short protein forms K1317*.
Identifiers: ClinVar variation 1076916 (VCV001076916.7), dbSNP rs2148485970, ClinGen allele CA346377580.

ClinVar aggregate classification (germline): Pathogenic (1 of 4 stars; one submission).

Conditions:
Short-rib thoracic dysplasia 10 with or without polydactyly (SRTD10). Identifiers: Orphanet 474, MedGen C3810175, MONDO:0014284, OMIM 615630.
Retinitis pigmentosa 71 (RP71). Identifiers: Orphanet 791, MedGen C4225342, MONDO:0014618, OMIM 616394.

Submission:

Labcorp Genetics (formerly Invitae), Labcorp
Classification: Pathogenic for Retinitis pigmentosa 71; Short-rib thoracic dysplasia 10 with or without polydactyly. Last evaluated: 2022-09-13. Review status: criteria provided, single submitter. Criteria: Invitae Variant Classification Sherloc (09022015). Collection method: clinical testing. Allele origin: germline.
Comment: This sequence change creates a premature translational stop signal (p.Lys1317*) in the IFT172 gene. It is expected to result in an absent or disrupted protein product. Loss-of-function variants in IFT172 are known to be pathogenic (PMID: 24140113). This variant is not present in population databases (gnomAD no frequency). This variant has not been reported in the literature in individuals affected with IFT172-related conditions. ClinVar contains an entry for this variant (Variation ID: 1076916). Algorithms developed to predict the effect of sequence changes on RNA splicing suggest that this variant may create or strengthen a splice site. For these reasons, this variant has been classified as Pathogenic.

Literature cited by the submitters: PubMed 24140113.